The following is an entry in ClinVar:

NM_000531.6(OTC):c.77+1G>A

Gene: OTC (ornithine transcarbamylase; plus strand). Cytogenetic location: Xp11.4.
Variant type: single nucleotide variant.
Coding change: c.77+1G>A on transcript NM_000531.6 (MANE Select); the canonical splice donor site of the intron after coding-DNA position 77, G replaced by A.
Molecular consequence: splice donor variant.
Genome position (GRCh38, 1-based): chrX:38,352,774, G>A. VCF-style: chrX-38352774-G-A. GRCh37 (hg19) VCF-style: chrX-38212027-G-A.
Other names: c.77+1G>A (NM_001407092.1).
Identifiers: ClinVar variation 97313 (VCV000097313.11), dbSNP rs67077695, ClinGen allele CA224773.

ClinVar aggregate classification (germline): Pathogenic. Review status: criteria provided, multiple submitters, no conflicts (2 of 4 stars). 3 submissions from 3 submitters: Pathogenic (2). 1 of the submissions does not count toward it. Last evaluated 2025-03-31.

Conditions:
Ornithine carbamoyltransferase deficiency (OTCD). Also called: ORNITHINE TRANSCARBAMYLASE DEFICIENCY, HYPERAMMONEMIA DUE TO; ORNITHINE TRANSCARBAMYLASE DEFICIENCY; OTC DEFICIENCY; Ornithine Carbamoyltransferase Deficiency Disease. Identifiers: Orphanet 664, MedGen C0268542, MONDO:0010703, OMIM 311250.

Submissions (3):

3billion
Classification: Pathogenic for Ornithine carbamoyltransferase deficiency. Last evaluated: 2025-03-31. Review status: criteria provided, single submitter. Criteria: ACMG Guidelines, 2015. Collection method: clinical testing. Allele origin: germline. Affected: yes.
Comment: The variant is not observed in the gnomAD v4.1.0 dataset. Predicted Consequence/Location: Canonical splice site: predicted to alter splicing and result in a loss or disruption of normal protein function. Multiple pathogenic loss-of-function variants are reported downstream of the variant. In silico tools predict the variant to alter splicing and produce an abnormal transcript [SpliceAI: 1.00 (spliceogenicity >=0.2, non-spliceogenicity <0.1)]. The variant has been reported to be associated with OTC-related disorder (ClinVar ID: VCV000097313 / PMID: 16786505). Therefore, this variant is classified as Pathogenic according to the recommendation of ACMG/AMP guideline.

Labcorp Genetics (formerly Invitae), Labcorp
Classification: Pathogenic for Ornithine carbamoyltransferase deficiency. Last evaluated: 2019-08-02. Review status: criteria provided, single submitter. Criteria: Invitae Variant Classification Sherloc (09022015). Collection method: clinical testing. Allele origin: germline.
Comment: For these reasons, this variant has been classified as Pathogenic. Donor and acceptor splice site variants typically lead to a loss of protein function (PMID: 16199547), and loss-of-function variants in OTC are known to be pathogenic (PMID: 10946359, 16786505). Algorithms developed to predict the effect of sequence changes on RNA splicing suggest that this variant may disrupt the consensus splice site, but this prediction has not been confirmed by published transcriptional studies. This variant has been observed in individuals affected with OTC deficiency (PMID: 16786505, 9143919). ClinVar contains an entry for this variant (Variation ID: 97313). This variant is not present in population databases (ExAC no frequency). This sequence change affects a donor splice site in intron 1 of the OTC gene. It is expected to disrupt RNA splicing and likely results in an absent or disrupted protein product.

GenMed Metabolism Lab
Classification: Pathogenic. Review status: no assertion criteria provided. Collection method: not provided. Allele origin: unknown. Not counted in ClinVar's aggregate classification.
ClinVar note: Converted during submission from pathogenic to Pathogenic.

Literature cited by the submitters: PubMed 16786505 (cited by 3billion and Labcorp Genetics (formerly Invitae), Labcorp); PubMed 16199547 (cited by Labcorp Genetics (formerly Invitae), Labcorp); PubMed 10946359 (cited by Labcorp Genetics (formerly Invitae), Labcorp); PubMed 9143919 (cited by Labcorp Genetics (formerly Invitae), Labcorp).